The following is an entry in ClinVar:

NM_002109.6(HARS1):c.28C>G (p.Leu10Val)

Genes: HARS1 (histidyl-tRNA synthetase 1; minus strand), LOC129994848 (ATAC-STARR-seq lymphoblastoid active region 23285; plus strand). Cytogenetic location: 5q31.3.
Variant type: single nucleotide variant.
Coding change: c.28C>G on transcript NM_002109.6 (MANE Select); coding-DNA position 28, C replaced by G.
Protein change: p.Leu10Val; replaces leucine 10 with valine.
Molecular consequence: missense variant. On other transcripts: intron variant (1).
Genome position (GRCh38, 1-based): chr5:140,691,277, G>C on the plus strand (C>G on the coding strand, the complement: HARS1 is on the minus strand). VCF-style: chr5-140691277-G-C. GRCh37 (hg19) VCF-style: chr5-140070862-G-C.
Other names: c.28C>G, p.Leu10Val (NM_001258040.3, NM_001258041.3, NM_001258042.3 and 2 more transcripts); c.3+25C>G (NM_001289094.2); short protein forms L10V.
Identifiers: ClinVar variation 2803453 (VCV002803453.3), dbSNP rs767785210, ClinGen allele CA361191833.

ClinVar aggregate classification (germline): Uncertain significance (1 of 4 stars; one submission).

Conditions:
Usher syndrome type 3B. Also called: USHER SYNDROME, TYPE IIIB. Identifiers: MedGen C3281066, MONDO:0013788, OMIM 614504.

Submission:

Labcorp Genetics (formerly Invitae), Labcorp
Classification: Uncertain significance for Usher syndrome type 3B. Last evaluated: 2022-11-12. Review status: criteria provided, single submitter. Criteria: Invitae Variant Classification Sherloc (09022015). Collection method: clinical testing. Allele origin: germline.
Comment: This sequence change replaces leucine, which is neutral and non-polar, with valine, which is neutral and non-polar, at codon 10 of the HARS protein (p.Leu10Val). This variant is not present in population databases (gnomAD no frequency). This variant has not been reported in the literature in individuals affected with HARS-related conditions. Algorithms developed to predict the effect of missense changes on protein structure and function (SIFT, PolyPhen-2, Align-GVGD) all suggest that this variant is likely to be tolerated. In summary, the available evidence is currently insufficient to determine the role of this variant in disease. Therefore, it has been classified as a Variant of Uncertain Significance.